The following is an entry in ClinVar:

NM_007315.4(STAT1):c.937A>G (p.Ile313Val)

Gene: STAT1 (signal transducer and activator of transcription 1; minus strand). Cytogenetic location: 2q32.2.
Variant type: single nucleotide variant.
Coding change: c.937A>G on transcript NM_007315.4 (MANE Select); coding-DNA position 937, A replaced by G.
Protein change: p.Ile313Val; replaces isoleucine 313 with valine.
Molecular consequence: missense variant. On other transcripts: intron variant (1).
Genome position (GRCh38, 1-based): chr2:190,995,068, T>C on the plus strand (A>G on the coding strand, the complement: STAT1 is on the minus strand). VCF-style: chr2-190995068-T-C. GRCh37 (hg19) VCF-style: chr2-191859794-T-C.
Other names: c.937A>G, p.Ile313Val (NM_001384880.1, NM_001384882.1, NM_001384886.1 and 4 more transcripts); c.943A>G, p.Ile315Val (NM_001384881.1, NM_001384884.1); c.838A>G, p.Ile280Val (NM_001384883.1); c.847A>G, p.Ile283Val (NM_001384890.1); c.973A>G, p.Ile325Val (NM_001384891.1); c.785+2788A>G (NM_001384885.1); short protein forms I280V, I283V, I313V, I315V, I325V.
Identifiers: ClinVar variation 1718708 (VCV001718708.5), dbSNP rs2125061671, ClinGen allele CA349921452.

ClinVar aggregate classification (germline): Uncertain significance (1 of 4 stars; one submission).

Conditions:
Mendelian susceptibility to mycobacterial diseases due to partial STAT1 deficiency. Also called: IMMUNODEFICIENCY 31A, MYCOBACTERIOSIS, AUTOSOMAL DOMINANT; STAT1 DEFICIENCY, AUTOSOMAL DOMINANT; Immunodeficiency 31a. Identifiers: Orphanet 319595, MedGen C4013950, MONDO:0013956, OMIM 614892.
Autoimmune enteropathy and endocrinopathy - susceptibility to chronic infections syndrome. Also called: Immunodeficiency 31C, autosomal dominant; Immunodeficiency 31C. Identifiers: Orphanet 391487, MedGen C3279990, MONDO:0013599, OMIM 614162.
Immunodeficiency 31B. Also called: STAT1 DEFICIENCY, AUTOSOMAL RECESSIVE; IMMUNODEFICIENCY 31B, MYCOBACTERIAL AND VIRAL INFECTIONS, AUTOSOMAL RECESSIVE. Identifiers: Orphanet 391311, MedGen C3151088, MONDO:0013427, OMIM 613796.

Allele frequency attached by ClinVar (database versions not stated): gnomAD exomes below 0.00001.
gnomAD v4.1: 4 of 1,611,512 alleles (0.00025%); highest among the groups gnomAD compares: South Asian, 0.0022%; no homozygotes.

Submission:

Labcorp Genetics (formerly Invitae), Labcorp
Classification: Uncertain significance for Mendelian susceptibility to mycobacterial diseases due to partial STAT1 deficiency; Immunodeficiency 31B; Autoimmune enteropathy and endocrinopathy - susceptibility to chronic infections syndrome. Last evaluated: 2022-10-25. Review status: criteria provided, single submitter. Criteria: Invitae Variant Classification Sherloc (09022015). Collection method: clinical testing. Allele origin: germline.
Comment: In summary, the available evidence is currently insufficient to determine the role of this variant in disease. Therefore, it has been classified as a Variant of Uncertain Significance. Algorithms developed to predict the effect of missense changes on protein structure and function (SIFT, PolyPhen-2, Align-GVGD) all suggest that this variant is likely to be tolerated. This variant has not been reported in the literature in individuals affected with STAT1-related conditions. This variant is not present in population databases (gnomAD no frequency). This sequence change replaces isoleucine, which is neutral and non-polar, with valine, which is neutral and non-polar, at codon 313 of the STAT1 protein (p.Ile313Val).